The following is an entry in ClinVar:

ClinVar aggregate classification (germline): Uncertain significance (1 of 4 stars; one submission).

gnomAD v4.1: 1 of 1,614,236 alleles (0.000062%); highest among the groups gnomAD compares: African/African-American, 0.0013%; no homozygotes.

Submission:

GeneDx
Classification: Uncertain significance. Last evaluated: 2026-02-01. Review status: criteria provided, single submitter. Criteria: GeneDx Variant Classification Process June 2021. Collection method: clinical testing. Allele origin: germline.
Comment: In silico analysis supports that this missense variant has a deleterious effect on protein structure/function; Has not been previously published as pathogenic or benign to our knowledge

NM_022893.4(BCL11A):c.263C>T (p.Ser88Leu)

Gene: BCL11A (BCL11 transcription factor A; minus strand). Cytogenetic location: 2p16.1.
Variant type: single nucleotide variant.
Coding change: c.263C>T on transcript NM_022893.4 (MANE Select); coding-DNA position 263, C replaced by T.
Protein change: p.Ser88Leu; replaces serine 88 with leucine.
Molecular consequence: missense variant. On other transcripts: 5 prime UTR variant (7).
Genome position (GRCh38, 1-based): chr2:60,546,093, G>A on the plus strand (C>T on the coding strand, the complement: BCL11A is on the minus strand). VCF-style: chr2-60546093-G-A. GRCh37 (hg19) VCF-style: chr2-60773228-G-A.
Other names: c.263C>T, p.Ser88Leu (NM_001363864.1, NM_001365609.1, NM_001405708.1 and 10 more transcripts); c.107C>T, p.Ser36Leu (NM_001405713.1, NM_001405714.1, NM_001405715.1 and 10 more transcripts); c.-163C>T (NM_001405720.1, NM_001405721.1); c.-413C>T (NM_001405725.1, NM_001405726.1, NM_001405731.1); c.-270C>T (NM_001405727.1, NM_001405728.1); short protein forms S36L, S88L.
Identifiers: ClinVar variation 4975973 (VCV004975973.1).